The following is an entry in ClinVar:

NM_173495.3(PTCHD1):c.1804A>G (p.Thr602Ala)

Gene: PTCHD1 (patched domain containing 1; plus strand). Cytogenetic location: Xp22.11.
Variant type: single nucleotide variant.
Coding change: c.1804A>G on transcript NM_173495.3 (MANE Select); coding-DNA position 1804, A replaced by G.
Protein change: p.Thr602Ala; replaces threonine 602 with alanine.
Molecular consequence: missense variant.
Genome position (GRCh38, 1-based): chrX:23,393,322, A>G. VCF-style: chrX-23393322-A-G. GRCh37 (hg19) VCF-style: chrX-23411439-A-G.
Other names: short protein forms T602A.
Identifiers: ClinVar variation 1303783 (VCV001303783.2), dbSNP rs1922886192, ClinGen allele CA412586132.
Genomic context (GRCh38, chrX:23,393,322, plus strand): 5'-TTTGTGCGGATATCCTGGTTTGAGAGCTATTTAAATTACCTTCGGAAACTCAATGTATCC[A>G]CTGGCTTGCCTAAGAAAAATTTCACAGACATGTTGAGGAATTCCTTTCTGAAAGCCCCTC-3'
Protein context (NP_775766.2, residues 592-612): LNYLRKLNVS[Thr602Ala]GLPKKNFTDM

ClinVar aggregate classification (germline): Uncertain significance (1 of 4 stars; one submission).

Allele frequency attached by ClinVar (database versions not stated): gnomAD exomes below 0.00001; TOPMed 0.00001.
gnomAD v4.1: 2 of 1,211,157 alleles (0.00017%); highest among the groups gnomAD compares: Middle Eastern, 0.046%; no homozygotes.

Submission:

GeneDx
Classification: Uncertain significance. Last evaluated: 2019-08-13. Review status: criteria provided, single submitter. Criteria: GeneDx Variant Classification Process June 2021. Collection method: clinical testing. Allele origin: germline. Affected: yes.
Comment: Not observed in large population cohorts (Lek et al., 2016); In silico analysis, which includes protein predictors and evolutionary conservation, supports that this variant does not alter protein structure/function; Has not been previously published as pathogenic or benign to our knowledge